The following is an entry in ClinVar:

NM_138691.3(TMC1):c.1696-11_1696-10del

Gene: TMC1 (transmembrane channel like 1; plus strand). Cytogenetic location: 9q21.13.
Variant type: Microsatellite.
Coding change: c.1696-11_1696-10del on transcript NM_138691.3 (MANE Select); 11 bases into the intron before coding-DNA position 1696 through 10 bases into the intron before coding-DNA position 1696, 2 bases deleted (GT; older notation c.1696-11_1696-10delGT).
Molecular consequence: intron variant.
Genome position (GRCh38, 1-based): chr9:72,816,132-72,816,133, GT deleted; deleting any 2 consecutive bases within chr9:72,816,129-72,816,133 gives the same sequence; the c. name uses the placement nearest the transcript's 3' end. VCF-style (leftmost placement, unchanged base first): chr9-72816128-TTG-T. GRCh37 (hg19) VCF-style: chr9-75431044-TTG-T.
Other names: c.1696-11_1696-10delGT (NM_138691.2).
Identifiers: ClinVar variation 1186968 (VCV001186968.13), dbSNP rs563515255, ClinGen allele CA5082044.
Genomic context (GRCh38, chr9:72,816,128, plus strand): 5'-GCCTATGCAGAACAATTTGCCTTTCAGTTTTGACCATGTGAGACGCTAATCCAATGAACA[TTG>T]TGTCTCCTCTAGCCTTCATACACCGAATTCGACATCAGTGGCAACGTCCTCGCTCTGATC-3'

ClinVar aggregate classification (germline): Likely benign. Review status: criteria provided, multiple submitters, no conflicts (2 of 4 stars). 4 submissions from 4 submitters: Likely benign (4). Last evaluated 2026-02-02.

Conditions:
TMC1-related disorder. Also called: TMC1-related condition; TMC1-related disorders.

Submissions (4):

Labcorp Genetics (formerly Invitae), Labcorp
Classification: Likely benign. Last evaluated: 2026-02-02. Review status: criteria provided, single submitter. Criteria: Invitae Variant Classification Sherloc (09022015). Collection method: clinical testing. Allele origin: germline.

Blueprint Genetics
Classification: Likely benign. Last evaluated: 2024-11-05. Review status: criteria provided, single submitter. Criteria: ACMG Guidelines, 2015. Collection method: clinical testing. Allele origin: germline.

PreventionGenetics, part of Exact Sciences
Classification: Likely benign for TMC1-related condition. Last evaluated: 2024-10-07. Review status: criteria provided, single submitter. Criteria: ACMG Guidelines, 2015. Collection method: clinical testing. Allele origin: germline.
Comment: This variant is classified as likely benign based on ACMG/AMP sequence variant interpretation guidelines (Richards et al. 2015 PMID: 25741868, with internal and published modifications).

GeneDx
Classification: Likely benign. Last evaluated: 2022-08-11. Review status: criteria provided, single submitter. Criteria: GeneDx Variant Classification Process June 2021. Collection method: clinical testing. Allele origin: germline. Affected: yes.
Comment: See Variant Classification Assertion Criteria.